The following is an entry in ClinVar:

NM_001375524.1(TRRAP):c.10903A>G (p.Thr3635Ala)

Gene: TRRAP (transformation/transcription domain associated protein; plus strand). Cytogenetic location: 7q22.1.
Variant type: single nucleotide variant.
Coding change: c.10903A>G on transcript NM_001375524.1 (MANE Select); coding-DNA position 10903, A replaced by G.
Protein change: p.Thr3635Ala; replaces threonine 3635 with alanine.
Molecular consequence: missense variant.
Genome position (GRCh38, 1-based): chr7:99,008,526, A>G. VCF-style: chr7-99008526-A-G. GRCh37 (hg19) VCF-style: chr7-98606149-A-G.
Other names: c.10861A>G, p.Thr3621Ala (NM_001244580.2); c.10774A>G, p.Thr3592Ala (NM_003496.4); short protein forms T3592A, T3621A, T3635A.
Identifiers: ClinVar variation 3607063 (VCV003607063.2).

ClinVar aggregate classification (germline): Uncertain significance (1 of 4 stars; one submission).

gnomAD v4.1: 2 of 1,614,008 alleles (0.00012%); highest among the groups gnomAD compares: South Asian, 0.0011%; no homozygotes.

Submission:

Labcorp Genetics (formerly Invitae), Labcorp
Classification: Uncertain significance. Last evaluated: 2024-05-23. Review status: criteria provided, single submitter. Criteria: Invitae Variant Classification Sherloc (09022015). Collection method: clinical testing. Allele origin: germline.
Comment: This sequence change replaces threonine, which is neutral and polar, with alanine, which is neutral and non-polar, at codon 3592 of the TRRAP protein (p.Thr3592Ala). This variant is not present in population databases (gnomAD no frequency). This variant has not been reported in the literature in individuals affected with TRRAP-related conditions. Advanced modeling of protein sequence and biophysical properties (such as structural, functional, and spatial information, amino acid conservation, physicochemical variation, residue mobility, and thermodynamic stability) performed at Invitae indicates that this missense variant is not expected to disrupt TRRAP protein function with a negative predictive value of 80%. In summary, the available evidence is currently insufficient to determine the role of this variant in disease. Therefore, it has been classified as a Variant of Uncertain Significance.